The following is an entry in ClinVar:

ClinVar aggregate classification (germline): Uncertain significance. Review status: criteria provided, multiple submitters, no conflicts (2 of 4 stars). 2 submissions from 2 submitters: Uncertain significance (2). Last evaluated 2024-06-11.

Conditions:
Epidermolysis bullosa simplex with nail dystrophy (EBS5D). Identifiers: MedGen C4225309, MONDO:0014661, OMIM 616487.
Epidermolysis bullosa simplex 5C, with pyloric atresia (EBS5C). Also called: Epidermolysis bullosa simplex with pyloric atresia; PLEC-Related Epidermolysis Bullosa with Pyloric Atresia; PLEC1-Related Epidermolysis Bullosa with Pyloric Atresia. Identifiers: Orphanet 158684, MedGen C2677349, MONDO:0012807, OMIM 612138.
Autosomal recessive limb-girdle muscular dystrophy type 2Q (LGMDR17). Also called: MUSCULAR DYSTROPHY, LIMB-GIRDLE, AUTOSOMAL RECESSIVE 17. Identifiers: Orphanet 254361, MedGen C3150989, MONDO:0013390, OMIM 613723.
Epidermolysis bullosa simplex 5B, with muscular dystrophy (EBS5B). Also called: Epidermolysis bullosa simplex with muscular dystrophy; EPIDERMOLYSIS BULLOSA SIMPLEX AND LIMB-GIRDLE MUSCULAR DYSTROPHY. Identifiers: Orphanet 257, MedGen C2931072, MONDO:0009181, OMIM 226670.
Epidermolysis bullosa simplex, Ogna type (EBS5A). Also called: Pidermolysis bullosa simplex 5A, Ogna type; EPIDERMOLYSIS BULLOSA SIMPLEX 5A, OGNA TYPE. Identifiers: Orphanet 79401, MedGen C0432317, MONDO:0007555, OMIM 131950.
Inborn genetic diseases. Identifiers: MedGen C0950123, MeSH D030342.

Allele frequency attached by ClinVar (database versions not stated): ExAC 0.00015.
gnomAD v4.1: 93 of 1,596,756 alleles (0.0058%); highest among the groups gnomAD compares: South Asian, 0.099%; 2 homozygotes.

Submissions (2):

Ambry Genetics
Classification: Uncertain significance for Inborn genetic diseases. Last evaluated: 2024-06-11. Review status: criteria provided, single submitter. Criteria: Ambry Variant Classification Scheme 2023. Collection method: clinical testing. Allele origin: germline.

Labcorp Genetics (formerly Invitae), Labcorp
Classification: Uncertain significance for Autosomal recessive limb-girdle muscular dystrophy type 2Q; Epidermolysis bullosa simplex, Ogna type; Epidermolysis bullosa simplex with nail dystrophy; Epidermolysis bullosa simplex 5C, with pyloric atresia; Epidermolysis bullosa simplex 5B, with muscular dystrophy. Last evaluated: 2023-05-15. Review status: criteria provided, single submitter. Criteria: Invitae Variant Classification Sherloc (09022015). Collection method: clinical testing. Allele origin: germline.
Comment: ClinVar contains an entry for this variant (Variation ID: 2142144). In summary, the available evidence is currently insufficient to determine the role of this variant in disease. Therefore, it has been classified as a Variant of Uncertain Significance. An algorithm developed to predict the effect of missense changes on protein structure and function (PolyPhen-2) suggests that this variant is likely to be tolerated. This variant has not been reported in the literature in individuals affected with PLEC-related conditions. This variant is present in population databases (rs782016706, gnomAD 0.1%). This sequence change replaces glutamine, which is neutral and polar, with histidine, which is basic and polar, at codon 2146 of the PLEC protein (p.Gln2146His).

NM_201384.3(PLEC):c.6357G>T (p.Gln2119His)

Gene: PLEC (plectin; minus strand). Cytogenetic location: 8q24.3.
Variant type: single nucleotide variant.
Coding change: c.6357G>T on transcript NM_201384.3 (MANE Select); coding-DNA position 6357, G replaced by T.
Protein change: p.Gln2119His; replaces glutamine 2119 with histidine.
Molecular consequence: missense variant.
Genome position (GRCh38, 1-based): chr8:143,923,572, C>A on the plus strand (G>T on the coding strand, the complement: PLEC is on the minus strand). VCF-style: chr8-143923572-C-A. GRCh37 (hg19) VCF-style: chr8-144997740-C-A.
Other names: c.6438G>T, p.Gln2146His (NM_000445.5); c.6315G>T, p.Gln2105His (NM_201378.4); c.6291G>T, p.Gln2097His (NM_201379.3); c.6768G>T, p.Gln2256His (NM_201380.4); c.6261G>T, p.Gln2087His (NM_201381.3); c.6357G>T, p.Gln2119His (NM_201382.4); c.6369G>T, p.Gln2123His (NM_201383.3); c.6438G>T (NM_000445.3); short protein forms Q2105H, Q2146H, Q2097H, Q2119H, Q2123H, Q2256H, Q2087H.
Identifiers: ClinVar variation 2142144 (VCV002142144.5), dbSNP rs782016706, ClinGen allele CA4926026.
Genomic context (GRCh38, chr8:143,923,572, plus strand): 5'-GCGCAGCTTCTCTGCAGCCGCCTGTGCCTGAGCCCGGGCCTGTGCCTGCTCCTCTGCCGA[C>A]TGCTTCAGCCGCTCGGCCTCTTCCACCTGCCGCCGGGACTGCGCCGCCTCACGCTCCGCC-3'
Protein context (NP_958786.1, residues 2109-2129): RQVEEAERLK[Gln2119His]SAEEQAQARA